The following is an entry in ClinVar:

NM_000135.4(FANCA):c.1352G>C (p.Trp451Ser)

Gene: FANCA (FA complementation group A; minus strand). Cytogenetic location: 16q24.3.
Variant type: single nucleotide variant.
Coding change: c.1352G>C on transcript NM_000135.4 (MANE Select); coding-DNA position 1352, G replaced by C.
Protein change: p.Trp451Ser; replaces tryptophan 451 with serine.
Molecular consequence: missense variant.
Genome position (GRCh38, 1-based): chr16:89,791,410, C>G on the plus strand (G>C on the coding strand, the complement: FANCA is on the minus strand). VCF-style: chr16-89791410-C-G. GRCh37 (hg19) VCF-style: chr16-89857818-C-G.
Other names: c.1352G>C, p.Trp451Ser (NM_001286167.3); short protein forms W451S.
Identifiers: ClinVar variation 4619222 (VCV004619222.2).

ClinVar aggregate classification (germline): Uncertain significance. Review status: criteria provided, multiple submitters, no conflicts (2 of 4 stars). 2 submissions from 2 submitters: Uncertain significance (2). Last evaluated 2025-10-25.

Conditions:
Inborn genetic diseases. Identifiers: MedGen C0950123, MeSH D030342.
Fanconi anemia (FA). Also called: Fanconi's anemia. Identifiers: Orphanet 84, MedGen C0015625, MeSH D005199, MONDO:0019391.

Submissions (2):

Ambry Genetics
Classification: Uncertain significance for Inborn genetic diseases. Last evaluated: 2025-10-25. Review status: criteria provided, single submitter. Criteria: Ambry Variant Classification Scheme 2023. Collection method: clinical testing. Allele origin: germline.
Comment: The p.W451S variant (also known as c.1352G>C), located in coding exon 14 of the FANCA gene, results from a G to C substitution at nucleotide position 1352. The tryptophan at codon 451 is replaced by serine, an amino acid with highly dissimilar properties. This amino acid position is conserved. In addition, this alteration is predicted to be deleterious by in silico analysis. Based on the available evidence, the clinical significance of this variant remains unclear.

Labcorp Genetics (formerly Invitae), Labcorp
Classification: Uncertain significance for Fanconi anemia. Last evaluated: 2025-04-01. Review status: criteria provided, single submitter. Criteria: Invitae Variant Classification Sherloc (09022015). Collection method: clinical testing. Allele origin: germline.
Comment: This sequence change replaces tryptophan, which is neutral and slightly polar, with serine, which is neutral and polar, at codon 451 of the FANCA protein (p.Trp451Ser). This variant is not present in population databases (gnomAD no frequency). This variant has not been reported in the literature in individuals affected with FANCA-related conditions. Invitae Evidence Modeling of protein sequence and biophysical properties (such as structural, functional, and spatial information, amino acid conservation, physicochemical variation, residue mobility, and thermodynamic stability) indicates that this missense variant is expected to disrupt FANCA protein function with a positive predictive value of 95%. In summary, the available evidence is currently insufficient to determine the role of this variant in disease. Therefore, it has been classified as a Variant of Uncertain Significance.